The following is an entry in ClinVar:

NC_000016.9:g.(?_47531290)_(47549532_?)dup

Gene: PHKB (phosphorylase kinase regulatory subunit beta; plus strand). Cytogenetic location: 16q12.1.
Variant type: Duplication.
Identifiers: ClinVar variation 2422828 (VCV002422828.4).

ClinVar aggregate classification (germline): Likely pathogenic (1 of 4 stars; one submission).

Conditions:
Glycogen storage disease IXb (GSD9B). Also called: PHOSPHORYLASE KINASE DEFICIENCY OF LIVER AND MUSCLE, AUTOSOMAL RECESSIVE; GLYCOGENOSIS OF LIVER AND MUSCLE, AUTOSOMAL RECESSIVE; GSD IXb. Identifiers: Orphanet 79240, MedGen C0543514, MONDO:0009868, OMIM 261750.

Submission:

Labcorp Genetics (formerly Invitae), Labcorp
Classification: Likely pathogenic for Glycogen storage disease IXb. Last evaluated: 2022-06-10. Review status: criteria provided, single submitter. Criteria: Invitae Variant Classification Sherloc (09022015). Collection method: clinical testing. Allele origin: germline.
Comment: In summary, the currently available evidence indicates that the variant is pathogenic, but additional data are needed to prove that conclusively. Therefore, this variant has been classified as Likely Pathogenic. This variant has not been reported in the literature in individuals affected with PHKB-related conditions. This variant results in a copy number gain of the genomic region encompassing exon(s) 2-6 of the PHKB gene. While the exact position of this variant cannot be determined from the data, sub-genic copy number gains are generally in tandem (PMID: 25640679). This variant is predicted to be out-of-frame, and may result in an absent or disrupted protein product. Loss-of-function variants in PHKB are known to be pathogenic (PMID: 9215682, 9326319).

Literature cited by the submitters: PubMed 25640679; PubMed 9215682; PubMed 9326319.